The following is an entry in ClinVar:

NM_001957.4(EDNRA):c.730A>G (p.Thr244Ala)

Gene: EDNRA (endothelin receptor type A; plus strand). Cytogenetic location: 4q31.23.
Variant type: single nucleotide variant.
Coding change: c.730A>G on transcript NM_001957.4 (MANE Select); coding-DNA position 730, A replaced by G.
Protein change: p.Thr244Ala; replaces threonine 244 with alanine.
Molecular consequence: missense variant. On other transcripts: non-coding transcript variant (1), intron variant (1).
Genome position (GRCh38, 1-based): chr4:147,532,687, A>G. VCF-style: chr4-147532687-A-G. GRCh37 (hg19) VCF-style: chr4-148453839-A-G.
Other names: c.421-3190A>G (NM_001166055.2); short protein forms T244A.
Identifiers: ClinVar variation 3343351 (VCV003343351.1).

ClinVar aggregate classification (germline): Uncertain significance (1 of 4 stars; one submission).

Submission:

GeneDx
Classification: Uncertain significance. Last evaluated: 2023-05-05. Review status: criteria provided, single submitter. Criteria: GeneDx Variant Classification Process June 2021. Collection method: clinical testing. Allele origin: germline. Affected: yes.
Comment: Not observed at significant frequency in large population cohorts (gnomAD); In silico analysis supports that this missense variant does not alter protein structure/function; Has not been previously published as pathogenic or benign to our knowledge